The following is an entry in ClinVar:

ClinVar aggregate classification (germline): Likely benign. Review status: criteria provided, multiple submitters, no conflicts (2 of 4 stars). 3 submissions from 3 submitters: Likely benign (3). Last evaluated 2025-03-25.

Conditions:
PCARE-related disorder. Also called: PCARE-related condition.

Allele frequency attached by ClinVar (database versions not stated): gnomAD 0.00004 and 0.00005; gnomAD exomes 0.00004; ExAC 0.00005; 1000 Genomes Project 30x 0.00016; 1000 Genomes Project 0.00020.
gnomAD v4.1: 65 of 1,611,902 alleles (0.004%); highest among the groups gnomAD compares: South Asian, 0.035%; no homozygotes.

Submissions (3):

PreventionGenetics, part of Exact Sciences
Classification: Likely benign for PCARE-related condition. Last evaluated: 2025-03-25. Review status: criteria provided, single submitter. Criteria: ACMG Guidelines, 2015. Collection method: clinical testing. Allele origin: germline.
Comment: This variant is classified as likely benign based on ACMG/AMP sequence variant interpretation guidelines (Richards et al. 2015 PMID: 25741868, with internal and published modifications).

Labcorp Genetics (formerly Invitae), Labcorp
Classification: Likely benign. Last evaluated: 2025-03-17. Review status: criteria provided, single submitter. Criteria: Invitae Variant Classification Sherloc (09022015). Collection method: clinical testing. Allele origin: germline.

Blueprint Genetics
Classification: Likely benign. Last evaluated: 2024-11-19. Review status: criteria provided, single submitter. Criteria: ACMG Guidelines, 2015. Collection method: clinical testing. Allele origin: germline.

NM_001029883.3(PCARE):c.3315T>C (p.Ser1105=)

Gene: PCARE (photoreceptor cilium actin regulator; minus strand). Cytogenetic location: 2p23.2.
Variant type: single nucleotide variant.
Coding change: c.3315T>C on transcript NM_001029883.3 (MANE Select); coding-DNA position 3315, T replaced by C.
Protein change: p.Ser1105=; no amino-acid change (serine 1105 retained).
Molecular consequence: synonymous variant.
Genome position (GRCh38, 1-based): chr2:29,070,947, A>G on the plus strand (T>C on the coding strand, the complement: PCARE is on the minus strand). VCF-style: chr2-29070947-A-G. GRCh37 (hg19) VCF-style: chr2-29293813-A-G.
Other names: c.3315T>C (NM_001029883.2).
Identifiers: ClinVar variation 1134082 (VCV001134082.11), dbSNP rs558538911, ClinGen allele CA1591963.